The following is an entry in ClinVar:

ClinVar aggregate classification (germline): Uncertain significance (1 of 4 stars; one submission).

Conditions:
Early-infantile DEE. Also called: Early infantile epileptic encephalopathy; Early infantile epileptic encephalopathy with suppression bursts; Ohtahara syndrome. Identifiers: Orphanet 1934, MedGen C0393706, MONDO:0800491.

Submission:

Labcorp Genetics (formerly Invitae), Labcorp
Classification: Uncertain significance for Early-infantile DEE. Last evaluated: 2020-04-29. Review status: criteria provided, single submitter. Criteria: Invitae Variant Classification Sherloc (09022015). Collection method: clinical testing. Allele origin: germline.
Comment: In summary, the available evidence is currently insufficient to determine the role of this variant in disease. Therefore, it has been classified as a Variant of Uncertain Significance. Algorithms developed to predict the effect of sequence changes on RNA splicing suggest that this variant may create or strengthen a splice site, but this prediction has not been confirmed by published transcriptional studies. Algorithms developed to predict the effect of missense changes on protein structure and function are either unavailable or do not agree on the potential impact of this missense change (SIFT: "Deleterious"; PolyPhen-2: "Probably Damaging"; Align-GVGD: "Class C15"). This variant has not been reported in the literature in individuals with SCN1A-related conditions. This variant is not present in population databases (ExAC no frequency). This sequence change replaces asparagine with aspartic acid at codon 722 of the SCN1A protein (p.Asn722Asp). The asparagine residue is highly conserved and there is a small physicochemical difference between asparagine and aspartic acid.

NM_001165963.4(SCN1A):c.2164A>G (p.Asn722Asp)

Gene: SCN1A (sodium voltage-gated channel alpha subunit 1; minus strand). Cytogenetic location: 2q24.3.
Variant type: single nucleotide variant.
Coding change: c.2164A>G on transcript NM_001165963.4 (MANE Select); coding-DNA position 2164, A replaced by G.
Protein change: p.Asn722Asp; replaces asparagine 722 with aspartic acid.
Molecular consequence: missense variant. On other transcripts: 5 prime UTR variant (1), non-coding transcript variant (1).
Genome position (GRCh38, 1-based): chr2:166,042,304, T>C on the plus strand (A>G on the coding strand, the complement: SCN1A is on the minus strand). VCF-style: chr2-166042304-T-C. GRCh37 (hg19) VCF-style: chr2-166898814-T-C.
Other names: c.2080A>G, p.Asn694Asp (NM_001165964.3, NM_001353957.2, NM_001353958.2); c.2164A>G, p.Asn722Asp (NM_001202435.3, NM_001353948.2); c.2131A>G, p.Asn711Asp (NM_001353949.2, NM_001353950.2, NM_001353951.2 and 2 more transcripts); c.2128A>G, p.Asn710Asp (NM_001353954.2, NM_001353955.2); c.2077A>G, p.Asn693Asp (NM_001353960.2); c.-295A>G (NM_001353961.2); short protein forms N693D, N722D, N710D, N694D, N711D.
Identifiers: ClinVar variation 857528 (VCV000857528.10), dbSNP rs1341631584, ClinGen allele CA349065601.